The following is an entry in ClinVar:

NM_001256545.2(MEGF10):c.1426+5G>T

Gene: MEGF10 (multiple EGF like domains 10; plus strand). Cytogenetic location: 5q23.2.
Variant type: single nucleotide variant.
Coding change: c.1426+5G>T on transcript NM_001256545.2 (MANE Select); 5 bases into the intron after coding-DNA position 1426, G replaced by T.
Molecular consequence: intron variant.
Genome position (GRCh38, 1-based): chr5:127,419,245, G>T. VCF-style: chr5-127419245-G-T. GRCh37 (hg19) VCF-style: chr5-126754937-G-T.
Other names: c.1426+5G>T (NM_032446.3, NM_001308119.2, NM_001308121.2).
Identifiers: ClinVar variation 350649 (VCV000350649.10), dbSNP rs148197499, ClinGen allele CA3391564.

ClinVar aggregate classification (germline): Uncertain significance. Review status: criteria provided, multiple submitters, no conflicts (2 of 4 stars). 2 submissions from 2 submitters: Uncertain significance (2). Last evaluated 2025-08-21.

Conditions:
MEGF10-related myopathy (CMYO10A). Also called: Congenital myopathy 10A, severe variant. Identifiers: Orphanet 439212, MedGen C3280679, MONDO:0013731, OMIM 614399.

Allele frequency attached by ClinVar (database versions not stated): gnomAD 0.00002 and 0.00008; TOPMed 0.00003; ExAC 0.00008; gnomAD exomes 0.00008 and 0.00015; 1000 Genomes Project 30x 0.00031; 1000 Genomes Project 0.00040.
gnomAD v4.1: 218 of 1,611,090 alleles (0.014%); highest among the groups gnomAD compares: East Asian, 0.48%; no homozygotes.

Submissions (2):

Labcorp Genetics (formerly Invitae), Labcorp
Classification: Uncertain significance for MEGF10-related myopathy. Last evaluated: 2025-08-21. Review status: criteria provided, single submitter. Criteria: Invitae Variant Classification Sherloc (09022015). Collection method: clinical testing. Allele origin: germline.
Comment: This sequence change falls in intron 12 of the MEGF10 gene. It does not directly change the encoded amino acid sequence of the MEGF10 protein. It affects a nucleotide within the consensus splice site. This variant is present in population databases (rs148197499, gnomAD 0.1%). This variant has not been reported in the literature in individuals affected with MEGF10-related conditions. ClinVar contains an entry for this variant (Variation ID: 350649). Variants that disrupt the consensus splice site are a relatively common cause of aberrant splicing (PMID: 17576681, 9536098). Algorithms developed to predict the effect of sequence changes on RNA splicing suggest that this variant may disrupt the consensus splice site. In summary, the available evidence is currently insufficient to determine the role of this variant in disease. Therefore, it has been classified as a Variant of Uncertain Significance.

Illumina Laboratory Services, Illumina
Classification: Uncertain significance for MEGF10-related myopathy. Last evaluated: 2018-01-12. Review status: criteria provided, single submitter. Criteria: ICSL Variant Classification Criteria 13 December 2019. Collection method: clinical testing. Allele origin: germline.

Literature cited by the submitters: PubMed 17576681 (cited by Labcorp Genetics (formerly Invitae), Labcorp); PubMed 9536098 (cited by Labcorp Genetics (formerly Invitae), Labcorp).